The following is an entry in ClinVar:

ClinVar aggregate classification (germline): Uncertain significance (1 of 4 stars; one submission).

Submission:

Women's Health and Genetics/Laboratory Corporation of America, LabCorp
Classification: Uncertain significance. Last evaluated: 2025-09-05. Review status: criteria provided, single submitter. Criteria: LabCorp Variant Classification Summary - May 2015. Collection method: clinical testing. Allele origin: germline.
Comment: Variant summary: DDX11 c.556C>T (p.Arg186Trp) results in a non-conservative amino acid change in the encoded protein sequence. Algorithms developed to predict the effect of missense changes on protein structure and function are either unavailable or do not agree on the potential impact of this missense change. The frequency data for this variant in gnomAD is considered unreliable, as metrics indicate poor data quality at this position. To our knowledge, no occurrence of c.556C>T in individuals affected with DDX11-related conditions and no experimental evidence demonstrating its impact on protein function have been reported. No submitters have cited clinical-significance assessments for this variant to ClinVar. Based on the evidence outlined above, the variant was classified as uncertain significance.

NM_030653.4(DDX11):c.556C>T (p.Arg186Trp)

Gene: DDX11 (DEAD/H-box helicase 11; plus strand). Cytogenetic location: 12p11.21.
Variant type: single nucleotide variant.
Coding change: c.556C>T on transcript NM_030653.4 (MANE Select); coding-DNA position 556, C replaced by T.
Protein change: p.Arg186Trp; replaces arginine 186 with tryptophan.
Molecular consequence: missense variant. On other transcripts: 5 prime UTR variant (3), non-coding transcript variant (4).
Genome position (GRCh38, 1-based): chr12:31,085,044, C>T. VCF-style: chr12-31085044-C-T. GRCh37 (hg19) VCF-style: chr12-31237978-C-T.
Other names: c.478C>T, p.Arg160Trp (NM_001413697.1, NM_001413698.1, NM_001413699.1 and 1 more transcripts); c.469C>T, p.Arg157Trp (NM_001413700.1); c.28C>T, p.Arg10Trp (NM_001413702.1, NM_001413703.1); c.-505C>T (NM_001413704.1, NM_001413705.1); c.-323C>T (NM_001413706.1); c.556C>T, p.Arg186Trp (NM_004399.3, NM_001257144.2, NM_001413692.1 and 5 more transcripts); short protein forms R10W, R157W, R160W, R186W.
Identifiers: ClinVar variation 4535721 (VCV004535721.1).